The following is an entry in ClinVar:

ClinVar aggregate classification (germline): Uncertain significance (1 of 4 stars; one submission).

Allele frequency attached by ClinVar (database versions not stated): TOPMed below 0.00001; gnomAD 0.00001.
gnomAD v4.1: 1 of 1,613,974 alleles (0.000062%); highest among the groups gnomAD compares: African/African-American, 0.0013%; no homozygotes.

Submission:

Ambry Genetics
Classification: Uncertain significance. Last evaluated: 2021-11-12. Review status: criteria provided, single submitter. Criteria: Ambry Variant Classification Scheme 2023. Collection method: clinical testing. Allele origin: germline.
Comment: The p.P832L variant (also known as c.2495C>T), located in coding exon 4 of the ALPK2 gene, results from a C to T substitution at nucleotide position 2495. The proline at codon 832 is replaced by leucine, an amino acid with similar properties. This amino acid position is conserved. In addition, this alteration is predicted to be tolerated by in silico analysis. Since supporting evidence is limited at this time, the clinical significance of this alteration remains unclear.

NM_052947.4(ALPK2):c.2495C>T (p.Pro832Leu)

Gene: ALPK2 (alpha kinase 2; minus strand). Cytogenetic location: 18q21.31.
Variant type: single nucleotide variant.
Coding change: c.2495C>T on transcript NM_052947.4 (MANE Select); coding-DNA position 2495, C replaced by T.
Protein change: p.Pro832Leu; replaces proline 832 with leucine.
Molecular consequence: missense variant.
Genome position (GRCh38, 1-based): chr18:58,537,692, G>A on the plus strand (C>T on the coding strand, the complement: ALPK2 is on the minus strand). VCF-style: chr18-58537692-G-A. GRCh37 (hg19) VCF-style: chr18-56204924-G-A.
Other names: short protein forms P832L.
Identifiers: ClinVar variation 1792125 (VCV001792125.2), dbSNP rs1335032482, ClinGen allele CA402570408.